The following is an entry in ClinVar:

NM_001382430.1(AKT1):c.1366G>A (p.Asp456Asn)

Gene: AKT1 (AKT serine/threonine kinase 1; minus strand). Cytogenetic location: 14q32.33.
Variant type: single nucleotide variant.
Coding change: c.1366G>A on transcript NM_001382430.1 (MANE Select); coding-DNA position 1366, G replaced by A.
Protein change: p.Asp456Asn; replaces aspartic acid 456 with asparagine.
Molecular consequence: missense variant.
Genome position (GRCh38, 1-based): chr14:104,770,418, C>T on the plus strand (G>A on the coding strand, the complement: AKT1 is on the minus strand). VCF-style: chr14-104770418-C-T. GRCh37 (hg19) VCF-style: chr14-105236755-C-T.
Other names: c.1366G>A, p.Asp456Asn (NM_001014431.2, NM_001014432.2, NM_001382431.1 and 3 more transcripts); short protein forms D456N.
Identifiers: ClinVar variation 1770941 (VCV001770941.2), dbSNP rs2542099789, ClinGen allele CA391214369.

ClinVar aggregate classification (germline): Uncertain significance (1 of 4 stars; one submission).

Conditions:
Inborn genetic diseases. Identifiers: MedGen C0950123, MeSH D030342.

Allele frequency attached by ClinVar (database versions not stated): gnomAD exomes below 0.00001.
gnomAD v4.1: 1 of 1,609,514 alleles (0.000062%); highest among the groups gnomAD compares: Non-Finnish European, 0.000085%; no homozygotes.

Submission:

Ambry Genetics
Classification: Uncertain significance for Inborn genetic diseases. Last evaluated: 2022-05-12. Review status: criteria provided, single submitter. Criteria: Ambry Variant Classification Scheme 2023. Collection method: clinical testing. Allele origin: germline.
Comment: The p.D456N variant (also known as c.1366G>A), located in coding exon 13 of the AKT1 gene, results from a G to A substitution at nucleotide position 1366. The aspartic acid at codon 456 is replaced by asparagine, an amino acid with highly similar properties. This amino acid position is conserved. In addition, this alteration is predicted to be tolerated by in silico analysis. Since supporting evidence is limited at this time, the clinical significance of this alteration remains unclear.